The following is an entry in ClinVar:

ClinVar aggregate classification (germline): Uncertain significance (1 of 4 stars; one submission).

Submission:

Labcorp Genetics (formerly Invitae), Labcorp
Classification: Uncertain significance. Last evaluated: 2022-03-03. Review status: criteria provided, single submitter. Criteria: Invitae Variant Classification Sherloc (09022015). Collection method: clinical testing. Allele origin: germline.
Comment: In summary, the available evidence is currently insufficient to determine the role of this variant in disease. Therefore, it has been classified as a Variant of Uncertain Significance. Algorithms developed to predict the effect of missense changes on protein structure and function (SIFT, PolyPhen-2, Align-GVGD) all suggest that this variant is likely to be tolerated. This variant has not been reported in the literature in individuals affected with LZTR1-related conditions. This variant is not present in population databases (gnomAD no frequency). This sequence change replaces glutamine, which is neutral and polar, with arginine, which is basic and polar, at codon 376 of the LZTR1 protein (p.Gln376Arg).

NM_006767.4(LZTR1):c.1127A>G (p.Gln376Arg)

Gene: LZTR1 (leucine zipper like post translational regulator 1; plus strand). Cytogenetic location: 22q11.21.
Variant type: single nucleotide variant.
Coding change: c.1127A>G on transcript NM_006767.4 (MANE Select); coding-DNA position 1127, A replaced by G.
Protein change: p.Gln376Arg; replaces glutamine 376 with arginine.
Molecular consequence: missense variant.
Genome position (GRCh38, 1-based): chr22:20,992,347, A>G. VCF-style: chr22-20992347-A-G. GRCh37 (hg19) VCF-style: chr22-21346636-A-G.
Other names: short protein forms Q376R.
Identifiers: ClinVar variation 2105928 (VCV002105928.4), dbSNP rs2518618149, ClinGen allele CA410782112.